The following is an entry in ClinVar:

NM_001375405.1(CEP120):c.1843A>C (p.Ile615Leu)

Gene: CEP120 (centrosomal protein 120; minus strand). Cytogenetic location: 5q23.2.
Variant type: single nucleotide variant.
Coding change: c.1843A>C on transcript NM_001375405.1 (MANE Select); coding-DNA position 1843, A replaced by C.
Protein change: p.Ile615Leu; replaces isoleucine 615 with leucine.
Molecular consequence: missense variant. On other transcripts: non-coding transcript variant (1).
Genome position (GRCh38, 1-based): chr5:123,383,003, T>G on the plus strand (A>C on the coding strand, the complement: CEP120 is on the minus strand). VCF-style: chr5-123383003-T-G. GRCh37 (hg19) VCF-style: chr5-122718697-T-G.
Other names: c.1765A>C, p.Ile589Leu (NM_001166226.2); c.1708A>C, p.Ile570Leu (NM_001375406.1); c.1843A>C, p.Ile615Leu (NM_001375407.1, NM_153223.4); c.1270A>C, p.Ile424Leu (NM_001375408.1, NM_001375409.1); short protein forms I615L, I424L, I570L, I589L.
Identifiers: ClinVar variation 1501418 (VCV001501418.6), dbSNP rs753544415, ClinGen allele CA360901089.

ClinVar aggregate classification (germline): Uncertain significance (1 of 4 stars; one submission).

Conditions:
Short-rib thoracic dysplasia 13 with or without polydactyly (SRTD13). Identifiers: Orphanet 474, MedGen C4225378, MONDO:0014577, OMIM 616300.

gnomAD v4.1: 13 of 1,600,490 alleles (0.00081%); highest among the groups gnomAD compares: Non-Finnish European, 0.0011%; no homozygotes.

Submission:

Labcorp Genetics (formerly Invitae), Labcorp
Classification: Uncertain significance for Short-rib thoracic dysplasia 13 with or without polydactyly. Last evaluated: 2021-09-10. Review status: criteria provided, single submitter. Criteria: Invitae Variant Classification Sherloc (09022015). Collection method: clinical testing. Allele origin: germline.
Comment: This sequence change replaces isoleucine with leucine at codon 615 of the CEP120 protein (p.Ile615Leu). The isoleucine residue is weakly conserved and there is a small physicochemical difference between isoleucine and leucine. This variant is not present in population databases (ExAC no frequency). This variant has not been reported in the literature in individuals affected with CEP120-related conditions. Algorithms developed to predict the effect of missense changes on protein structure and function are either unavailable or do not agree on the potential impact of this missense change (SIFT: "Deleterious"; PolyPhen-2: "Benign"; Align-GVGD: "Class C0"). In summary, the available evidence is currently insufficient to determine the role of this variant in disease. Therefore, it has been classified as a Variant of Uncertain Significance.